The following is an entry in ClinVar:

NM_001035.3(RYR2):c.3446A>T (p.Asn1149Ile)

Gene: RYR2 (ryanodine receptor 2; plus strand). Cytogenetic location: 1q43.
Variant type: single nucleotide variant.
Coding change: c.3446A>T on transcript NM_001035.3 (MANE Select); coding-DNA position 3446, A replaced by T.
Protein change: p.Asn1149Ile; replaces asparagine 1149 with isoleucine.
Molecular consequence: missense variant.
Genome position (GRCh38, 1-based): chr1:237,569,167, A>T. VCF-style: chr1-237569167-A-T. GRCh37 (hg19) VCF-style: chr1-237732467-A-T.
Other names: short protein forms N1149I.
Identifiers: ClinVar variation 2136100 (VCV002136100.1), dbSNP rs1289440571, ClinGen allele CA345389840.

ClinVar aggregate classification (germline): Uncertain significance (1 of 4 stars; one submission).

Submission:

GeneDx
Classification: Uncertain significance. Last evaluated: 2022-07-18. Review status: criteria provided, single submitter. Criteria: GeneDx Variant Classification Process June 2021. Collection method: clinical testing. Allele origin: germline. Affected: yes.
Comment: Not observed at significant frequency in large population cohorts (gnomAD); In silico analysis supports that this missense variant has a deleterious effect on protein structure/function; Has not been previously published as pathogenic or benign to our knowledge; Not located in one of the three hot-spot regions of the RYR2 gene, where the majority of pathogenic missense variants occur (Medeiros-Domingo et al., 2009); This variant is associated with the following publications: (PMID: 19926015)